The following is an entry in ClinVar:

NM_000363.5(TNNI3):c.173A>C (p.Lys58Thr)

Gene: TNNI3 (troponin I3, cardiac type; minus strand). Cytogenetic location: 19q13.42.
Variant type: single nucleotide variant.
Coding change: c.173A>C on transcript NM_000363.5 (MANE Select); coding-DNA position 173, A replaced by C.
Protein change: p.Lys58Thr; replaces lysine 58 with threonine.
Molecular consequence: missense variant.
Genome position (GRCh38, 1-based): chr19:55,156,310, T>G on the plus strand (A>C on the coding strand, the complement: TNNI3 is on the minus strand). VCF-style: chr19-55156310-T-G. GRCh37 (hg19) VCF-style: chr19-55667678-T-G.
Other names: short protein forms K58T.
Identifiers: ClinVar variation 921990 (VCV000921990.4), dbSNP rs878853955, ClinGen allele CA407441988.

ClinVar aggregate classification (germline): Uncertain significance (1 of 4 stars; one submission).

Conditions:
Cardiomyopathy (CMYO). Also called: Cardiomyopathies. Identifiers: Orphanet 167848, MedGen C0878544, MONDO:0004994, HP:0001638. Inheritance: Various modes of inheritance.

Submission:

Color Diagnostics, LLC DBA Color Health
Classification: Uncertain significance for Cardiomyopathy. Last evaluated: 2024-03-06. Review status: criteria provided, single submitter. Criteria: ACMG Guidelines, 2015. Collection method: clinical testing. Allele origin: germline.
Comment: This missense variant replaces lysine with threonine at codon 58 of the TNNI3 protein. Computational prediction suggests that this variant may have deleterious impact on protein structure and function (internally defined REVEL score threshold >= 0.7, PMID: 27666373). Splice site prediction tools suggest that this variant may not impact RNA splicing. To our knowledge, functional studies have not been performed for this variant. This variant has not been reported in individuals affected with cardiovascular disorders in the literature. This variant has not been identified in the general population by the Genome Aggregation Database (gnomAD). The available evidence is insufficient to determine the role of this variant in disease conclusively. Therefore, this variant is classified as a Variant of Uncertain Significance.